The following is an entry in ClinVar:

ClinVar aggregate classification (germline): Uncertain significance. Review status: criteria provided, multiple submitters, no conflicts (2 of 4 stars). 2 submissions from 2 submitters: Uncertain significance (2). Last evaluated 2021-07-04.

Conditions:
RYR1-related disorder. Also called: RYR1-related condition; RYR1-related disorders. Identifiers: MedGen CN239331.

gnomAD v4.1: 3 of 1,614,014 alleles (0.00019%); highest among the groups gnomAD compares: Non-Finnish European, 0.00025%; no homozygotes.

Submissions (2):

Labcorp Genetics (formerly Invitae), Labcorp
Classification: Uncertain significance for RYR1-related disorder. Last evaluated: 2021-07-04. Review status: criteria provided, single submitter. Criteria: Invitae Variant Classification Sherloc (09022015). Collection method: clinical testing. Allele origin: germline.
Comment: Advanced modeling of protein sequence and biophysical properties (such as structural, functional, and spatial information, amino acid conservation, physicochemical variation, residue mobility, and thermodynamic stability) performed at Invitae indicates that this missense variant is not expected to disrupt RYR1 protein function. In summary, the available evidence is currently insufficient to determine the role of this variant in disease. Therefore, it has been classified as a Variant of Uncertain Significance. This variant has not been reported in the literature in individuals affected with RYR1-related conditions. This variant is not present in population databases (ExAC no frequency). This sequence change replaces valine with leucine at codon 670 of the RYR1 protein (p.Val670Leu). The valine residue is highly conserved and there is a small physicochemical difference between valine and leucine.

Revvity Omics, Revvity
Classification: Uncertain significance. Last evaluated: 2021-01-12. Review status: criteria provided, single submitter. Criteria: ACMG Guidelines, 2015. Collection method: clinical testing. Allele origin: germline.

NM_000540.3(RYR1):c.2008G>T (p.Val670Leu)

Gene: RYR1 (ryanodine receptor 1; plus strand). Cytogenetic location: 19q13.2.
Variant type: single nucleotide variant.
Coding change: c.2008G>T on transcript NM_000540.3 (MANE Select); coding-DNA position 2008, G replaced by T.
Protein change: p.Val670Leu; replaces valine 670 with leucine.
Molecular consequence: missense variant.
Genome position (GRCh38, 1-based): chr19:38,458,133, G>T. VCF-style: chr19-38458133-G-T. GRCh37 (hg19) VCF-style: chr19-38948773-G-T.
Other names: c.2008G>T, p.Val670Leu (NM_001042723.2); c.2008G>T (NM_000540.2); short protein forms V670L.
Identifiers: ClinVar variation 1365722 (VCV001365722.10), dbSNP rs1199495792, ClinGen allele CA405696119.